The following is an entry in ClinVar:

ClinVar aggregate classification (germline): Uncertain significance (1 of 4 stars; one submission).

Conditions:
Ataxia-telangiectasia syndrome (AT). Also called: ATAXIA-TELANGIECTASIA, FRESNO VARIANT; Ataxia-telangiectasia, complementation group D; AT, COMPLEMENTATION GROUP C; Ataxia-telangiectasia; Ataxia-telangiectasia, complementation group E; Ataxia telangiectasia (A-T). Identifiers: Orphanet 100, MedGen C0004135, MONDO:0008840, OMIM 208900.

gnomAD v4.1: 3 of 1,613,444 alleles (0.00019%); highest among the groups gnomAD compares: South Asian, 0.0033%; no homozygotes.

Submission:

Labcorp Genetics (formerly Invitae), Labcorp
Classification: Uncertain significance for Ataxia-telangiectasia syndrome. Last evaluated: 2020-02-04. Review status: criteria provided, single submitter. Criteria: Invitae Variant Classification Sherloc (09022015). Collection method: clinical testing. Allele origin: germline.
Comment: This sequence change replaces leucine with valine at codon 443 of the ATM protein (p.Leu443Val). The leucine residue is moderately conserved and there is a small physicochemical difference between leucine and valine. This variant has not been reported in the literature in individuals with ATM-related conditions. In summary, the available evidence is currently insufficient to determine the role of this variant in disease. Therefore, it has been classified as a Variant of Uncertain Significance. Algorithms developed to predict the effect of missense changes on protein structure and function are either unavailable or do not agree on the potential impact of this missense change (SIFT: "Tolerated"; PolyPhen-2: "Probably Damaging"; Align-GVGD: "Class C0"). This variant is not present in population databases (ExAC no frequency).

NM_000051.4(ATM):c.1327C>G (p.Leu443Val)

Gene: ATM (ATM serine/threonine kinase; plus strand). Cytogenetic location: 11q22.3.
Variant type: single nucleotide variant.
Coding change: c.1327C>G on transcript NM_000051.4 (MANE Select); coding-DNA position 1327, C replaced by G.
Protein change: p.Leu443Val; replaces leucine 443 with valine.
Molecular consequence: missense variant.
Genome position (GRCh38, 1-based): chr11:108,250,792, C>G. VCF-style: chr11-108250792-C-G. GRCh37 (hg19) VCF-style: chr11-108121519-C-G.
Other names: c.1327C>G, p.Leu443Val (NM_001351834.2); short protein forms L443V.
Identifiers: ClinVar variation 1057224 (VCV001057224.9), dbSNP rs1057524185, ClinGen allele CA382533691.